The following is an entry in ClinVar:

NM_000021.4(PSEN1):c.234C>T (p.Gly78=)

Gene: PSEN1 (presenilin 1; plus strand). Cytogenetic location: 14q24.2.
Variant type: single nucleotide variant.
Coding change: c.234C>T on transcript NM_000021.4 (MANE Select); coding-DNA position 234, C replaced by T.
Protein change: p.Gly78=; no amino-acid change (glycine 78 retained).
Molecular consequence: synonymous variant.
Genome position (GRCh38, 1-based): chr14:73,170,943, C>T. VCF-style: chr14-73170943-C-T. GRCh37 (hg19) VCF-style: chr14-73637651-C-T.
Other names: c.222C>T, p.Gly74= (NM_007318.3).
Identifiers: ClinVar variation 707810 (VCV000707810.18), dbSNP rs143782428, ClinGen allele CA7256698.

ClinVar aggregate classification (germline): Conflicting classifications of pathogenicity. Review status: criteria provided, conflicting classifications (1 of 4 stars). 8 submissions from 7 submitters: Uncertain significance (1); Benign (1); Likely benign (4). 2 of the submissions do not count toward it. Last evaluated 2026-01-04.

Conditions:
Inborn genetic diseases. Identifiers: MedGen C0950123, MeSH D030342.
Alzheimer disease 3 (AD3). Also called: ALZHEIMER DISEASE, FAMILIAL, 3. Identifiers: Orphanet 1020, MedGen C1843013, MONDO:0011913, OMIM 607822.
Dilated cardiomyopathy 1U. Identifiers: Orphanet 154, MedGen C3160720, MONDO:0013371, OMIM 613694.
Acne inversa, familial, 3 (ACNINV3). Identifiers: MedGen C3151038, MONDO:0013398, OMIM 613737.
Frontotemporal dementia (FTD1). Also called: Dementia, frontotemporal, with or without parkinsonism; FRONTOTEMPORAL DEMENTIA WITH PARKINSONISM; FRONTOTEMPORAL LOBE DEMENTIA; WILHELMSEN-LYNCH DISEASE; MULTIPLE SYSTEM TAUOPATHY WITH PRESENILE DEMENTIA; FRONTOTEMPORAL LOBAR DEGENERATION WITH TAU INCLUSIONS. Identifiers: Orphanet 282, MedGen C0338451, MONDO:0017276, OMIM 600274, HP:0002145.
Pick disease. Also called: DEMENTIA WITH LOBAR ATROPHY AND NEURONAL CYTOPLASMIC INCLUSIONS; Pick's disease; PICK DISEASE OF BRAIN; LOBAR ATROPHY OF BRAIN; Pick Disease of the Brain. Identifiers: Orphanet 282, MedGen C0236642, MONDO:0008243, OMIM 172700.

Allele frequency attached by ClinVar (database versions not stated): TOPMed 0.00012; gnomAD 0.00013 and 0.00012; ExAC 0.00016; gnomAD exomes 0.00018; ESP Exome Variant Server 0.00023.
gnomAD v4.1: 287 of 1,614,050 alleles (0.018%); highest among the groups gnomAD compares: East Asian, 0.031%; no homozygotes.

Submissions (8):

Labcorp Genetics (formerly Invitae), Labcorp
Classification: Likely benign for Alzheimer disease 3; Pick disease; Acne inversa, familial, 3; Frontotemporal dementia. Last evaluated: 2026-01-04. Review status: criteria provided, single submitter. Criteria: Invitae Variant Classification Sherloc (09022015). Collection method: clinical testing. Allele origin: germline.

Women's Health and Genetics/Laboratory Corporation of America, LabCorp
Classification: Likely benign. Last evaluated: 2024-11-19. Review status: criteria provided, single submitter. Criteria: LabCorp Variant Classification Summary - May 2015. Collection method: clinical testing. Allele origin: germline.

Blueprint Genetics
Classification: Likely benign. Last evaluated: 2024-10-02. Review status: criteria provided, single submitter. Criteria: ACMG Guidelines, 2015. Collection method: clinical testing. Allele origin: germline.

Ambry Genetics
Classification: Likely benign for Inborn genetic diseases. Last evaluated: 2023-06-09. Review status: criteria provided, single submitter. Criteria: Ambry Variant Classification Scheme 2023. Collection method: clinical testing. Allele origin: germline.

Illumina Laboratory Services, Illumina
Classification: Benign for Dilated cardiomyopathy 1U. Last evaluated: 2017-04-27. Review status: criteria provided, single submitter. Criteria: ICSL Variant Classification Criteria 13 December 2019. Collection method: clinical testing. Allele origin: germline.
Comment: This variant was observed as part of a predisposition screen in an ostensibly healthy population. A literature search was performed for the gene, cDNA change, and amino acid change (where applicable). No publications were found based on this search. Allele frequency data from public databases was too high to be consistent with this variant causing disease. Therefore, this variant is classified as benign.

Illumina Laboratory Services, Illumina
Classification: Uncertain significance for Alzheimer disease 3. Last evaluated: 2017-04-27. Review status: criteria provided, single submitter. Criteria: ICSL Variant Classification Criteria 13 December 2019. Collection method: clinical testing. Allele origin: germline.
Comment: This variant was observed as part of a predisposition screen in an ostensibly healthy population. A literature search was performed for the gene, cDNA change, and amino acid change (where applicable). Publications were found based on this search. However, the evidence from the literature, in combination with allele frequency data from public databases where available, was not sufficient to rule this variant in or out of causing disease. Therefore, this variant is classified as a variant of unknown significance.

Clinical Genetics DNA and cytogenetics Diagnostics Lab, Erasmus MC, Erasmus Medical Center
Classification: Likely benign. Review status: no assertion criteria provided. Collection method: clinical testing. Allele origin: germline. Affected: yes. Study: VKGL Data-share Consensus. Not counted in ClinVar's aggregate classification.

Genome Diagnostics Laboratory, Amsterdam University Medical Center
Classification: Likely benign. Review status: no assertion criteria provided. Collection method: clinical testing. Allele origin: germline. Affected: yes. Study: VKGL Data-share Consensus. Not counted in ClinVar's aggregate classification.

Literature cited by the submitters: PubMed 22503161 (cited by Illumina Laboratory Services, Illumina).